The following is an entry in ClinVar:

ClinVar aggregate classification (germline): Likely pathogenic (1 of 4 stars; one submission).

Conditions:
Hereditary cancer-predisposing syndrome. Also called: Neoplastic Syndromes, Hereditary; Tumor predisposition; Hereditary Cancer Syndrome; Hereditary neoplastic syndrome. Identifiers: Orphanet 140162, MedGen C0027672, MeSH D009386, MONDO:0015356.

Submission:

Ambry Genetics
Classification: Likely pathogenic for Hereditary cancer-predisposing syndrome. Last evaluated: 2026-05-22. Review status: criteria provided, single submitter. Criteria: Ambry Variant Classification Scheme 2023. Collection method: clinical testing. Allele origin: germline.
Comment: The c.1899+1delG intronic variant, located in intron 12 of the CTNNA1 gene, results from a deletion of one nucleotide within intron 12 of the CTNNA1 gene. This nucleotide position is highly conserved in available vertebrate species. In silico splice site analysis predicts that this alteration will weaken the native splice donor site and will result in the creation or strengthening of a novel splice donor site; however, direct evidence is insufficient at this time (Ambry internal data). This variant is considered to be rare based on population cohorts in the Genome Aggregation Database (gnomAD). Variants that disrupt the canonical splice site are expected to cause aberrant splicing, resulting in an abnormal protein or a transcript that is subject to nonsense-mediated mRNA decay. As such, this variant is classified as likely pathogenic.

NM_001903.5(CTNNA1):c.1899+1del

Gene: CTNNA1 (catenin alpha 1; plus strand). Cytogenetic location: 5q31.2.
Variant type: Deletion.
Coding change: c.1899+1del on transcript NM_001903.5 (MANE Select); the canonical splice donor site of the intron after coding-DNA position 1899, one base deleted (G; older notation c.1899+1delG).
Molecular consequence: splice donor variant.
Genome position (GRCh38, 1-based): chr5:138,925,408, G deleted; the last of 3 consecutive G bases (chr5:138,925,406-138,925,408); deleting any one gives the same sequence. VCF-style (leftmost placement, unchanged base first): chr5-138925405-AG-A. GRCh37 (hg19) VCF-style: chr5-138261094-AG-A.
Other names: c.1899+1del (NM_001323982.2, NM_001323984.2, NM_001290307.3 and 2 more transcripts); c.1806+1del (NM_001323986.2); c.1530+1del (NM_001290310.3); c.1590+1del (NM_001290309.3); c.789+1del (NM_001323996.1, NM_001323993.1, NM_001324005.1 and 17 more transcripts); c.450+1del (NM_001324007.1, NM_001324009.1, NM_001324006.1 and 2 more transcripts); c.546+1del (NM_001324013.1, NM_001324012.1); c.696+1del (NM_001324011.1).
Identifiers: ClinVar variation 4869483 (VCV004869483.1).
Genomic context (GRCh38, chr5:138,925,405, plus strand): 5'-GATGCTTCCCGCCTGGTATATGATGGCATCCGGGACATCAGGAAAGCAGTGCTGATGATA[AG>A]GGTGAGTAACTGCATTTCAGACGTCTTAACAGCTTCTTTCTTATCATTTGCTAAACTTGA-3'